The following is an entry in ClinVar:

ClinVar aggregate classification (germline): Uncertain significance (1 of 4 stars; one submission).

Conditions:
ELP1-related disorder. Also called: ELP1-related condition.

gnomAD v4.1: 2 of 1,614,088 alleles (0.00012%); highest among the groups gnomAD compares: Admixed American, 0.0017%; no homozygotes.

Submission:

PreventionGenetics, part of Exact Sciences
Classification: Uncertain significance for ELP1-related condition. Last evaluated: 2025-11-01. Review status: criteria provided, single submitter. Criteria: ACMG Guidelines, 2015. Collection method: clinical testing. Allele origin: germline.
Comment: The ELP1 c.3119T>G variant is predicted to result in the amino acid substitution p.Phe1040Cys. To our knowledge, this variant has not been reported in the literature or in a large population database (gnomAD), indicating this variant is rare. At this time, the clinical significance of this variant is uncertain due to the absence of conclusive functional and genetic evidence.

NM_003640.5(ELP1):c.3119T>G (p.Phe1040Cys)

Gene: ELP1 (elongator acetyltransferase complex subunit 1; minus strand). Cytogenetic location: 9q31.3.
Variant type: single nucleotide variant.
Coding change: c.3119T>G on transcript NM_003640.5 (MANE Select); coding-DNA position 3119, T replaced by G.
Protein change: p.Phe1040Cys; replaces phenylalanine 1040 with cysteine.
Molecular consequence: missense variant.
Genome position (GRCh38, 1-based): chr9:108,891,244, A>C on the plus strand (T>G on the coding strand, the complement: ELP1 is on the minus strand). VCF-style: chr9-108891244-A-C. GRCh37 (hg19) VCF-style: chr9-111653524-A-C.
Other names: c.2777T>G, p.Phe926Cys (NM_001318360.2); c.2072T>G, p.Phe691Cys (NM_001330749.2); short protein forms F1040C, F926C, F691C.
Identifiers: ClinVar variation 4996790 (VCV004996790.1).
Genomic context (GRCh38, chr9:108,891,244, plus strand): 5'-TATAAATGATTGTACTTACCTGCCAGAGTTCTGCCGAGGCCCACCAGCTGGTCTTTGGTA[A>C]AGTTAAGCTGGGCTGCCACACAGAGGGCTTGCTTCCAGTTGCCACATGTCAGAAAGGCTG-3'
Protein context (NP_003631.2, residues 1030-1050): QALCVAAQLN[Phe1040Cys]TKDQLVGLGR